The following is an entry in ClinVar:

ClinVar aggregate classification (germline): Uncertain significance (1 of 4 stars; one submission).

gnomAD v4.1: 21 of 1,612,262 alleles (0.0013%); highest among the groups gnomAD compares: South Asian, 0.0077%; no homozygotes.

Submission:

Labcorp Genetics (formerly Invitae), Labcorp
Classification: Uncertain significance. Last evaluated: 2022-08-21. Review status: criteria provided, single submitter. Criteria: Invitae Variant Classification Sherloc (09022015). Collection method: clinical testing. Allele origin: germline.
Comment: This sequence change replaces arginine, which is basic and polar, with histidine, which is basic and polar, at codon 1473 of the DOCK6 protein (p.Arg1473His). This variant is present in population databases (rs762849197, gnomAD 0.01%). This variant has not been reported in the literature in individuals affected with DOCK6-related conditions. Algorithms developed to predict the effect of missense changes on protein structure and function (SIFT, PolyPhen-2, Align-GVGD) all suggest that this variant is likely to be tolerated. In summary, the available evidence is currently insufficient to determine the role of this variant in disease. Therefore, it has been classified as a Variant of Uncertain Significance.

NM_020812.4(DOCK6):c.4418G>A (p.Arg1473His)

Genes: DOCK6 (dedicator of cytokinesis 6; minus strand), DOCK6-AS1 (DOCK6 antisense RNA 1; plus strand). Cytogenetic location: 19p13.2.
Variant type: single nucleotide variant.
Coding change: c.4418G>A on transcript NM_020812.4 (MANE Select); coding-DNA position 4418, G replaced by A.
Protein change: p.Arg1473His; replaces arginine 1473 with histidine.
Molecular consequence: missense variant.
Genome position (GRCh38, 1-based): chr19:11,213,249, C>T on the plus strand (G>A on the coding strand, the complement: DOCK6 is on the minus strand). VCF-style: chr19-11213249-C-T. GRCh37 (hg19) VCF-style: chr19-11323925-C-T.
Other names: c.4523G>A, p.Arg1508His (NM_001367830.1); short protein forms R1473H, R1508H.
Identifiers: ClinVar variation 2074766 (VCV002074766.1), dbSNP rs762849197, ClinGen allele CA9206865.
Genomic context (GRCh38, chr19:11,213,249, plus strand): 5'-AAGTTCTGTCGCATGAGCAGGTACAGCGAGGCGCTGGCGTGCGTGCGGATGGTGCTGATG[C>T]GGCTGCCACAGTGTCGTAGGAGCCTCAGGCACAGGTCGGCACACAGCTCCGTGTCCTCCT-3'
Protein context (NP_065863.2, residues 1463-1483): CLRLLRHCGS[Arg1473His]ISTIRTHASA